The following is an entry in ClinVar:

NM_001384732.1(CPLANE1):c.346T>A (p.Leu116Met)

Gene: CPLANE1 (ciliogenesis and planar polarity effector complex subunit 1; minus strand). Cytogenetic location: 5p13.2.
Variant type: single nucleotide variant.
Coding change: c.346T>A on transcript NM_001384732.1 (MANE Select); coding-DNA position 346, T replaced by A.
Protein change: p.Leu116Met; replaces leucine 116 with methionine.
Molecular consequence: missense variant.
Genome position (GRCh38, 1-based): chr5:37,244,599, A>T on the plus strand (T>A on the coding strand, the complement: CPLANE1 is on the minus strand). VCF-style: chr5-37244599-A-T. GRCh37 (hg19) VCF-style: chr5-37244701-A-T.
Other names: c.346T>A, p.Leu116Met (NM_023073.4); short protein forms L116M.
Identifiers: ClinVar variation 1426211 (VCV001426211.7), dbSNP rs1351635401, ClinGen allele CA359522478.

ClinVar aggregate classification (germline): Uncertain significance (1 of 4 stars; one submission).

Allele frequency attached by ClinVar (database versions not stated): TOPMed below 0.00001; gnomAD 0.00001; gnomAD exomes 0.00001.

Submission:

Labcorp Genetics (formerly Invitae), Labcorp
Classification: Uncertain significance. Last evaluated: 2022-02-24. Review status: criteria provided, single submitter. Criteria: Invitae Variant Classification Sherloc (09022015). Collection method: clinical testing. Allele origin: germline.
Comment: This variant is present in population databases (no rsID available, gnomAD 0.003%). This sequence change replaces leucine, which is neutral and non-polar, with methionine, which is neutral and non-polar, at codon 116 of the CPLANE1 protein (p.Leu116Met). This variant has not been reported in the literature in individuals affected with CPLANE1-related conditions. In summary, the available evidence is currently insufficient to determine the role of this variant in disease. Therefore, it has been classified as a Variant of Uncertain Significance. Advanced modeling of protein sequence and biophysical properties (such as structural, functional, and spatial information, amino acid conservation, physicochemical variation, residue mobility, and thermodynamic stability) performed at Invitae indicates that this missense variant is not expected to disrupt CPLANE1 protein function.